The following is an entry in ClinVar:

NM_002427.4(MMP13):c.1315+12C>T

Gene: MMP13 (matrix metallopeptidase 13; minus strand). Cytogenetic location: 11q22.2.
Variant type: single nucleotide variant.
Coding change: c.1315+12C>T on transcript NM_002427.4 (MANE Select); 12 bases into the intron after coding-DNA position 1315, C replaced by T.
Molecular consequence: intron variant.
Genome position (GRCh38, 1-based): chr11:102,945,634, G>A on the plus strand (C>T on the coding strand, the complement: MMP13 is on the minus strand). VCF-style: chr11-102945634-G-A. GRCh37 (hg19) VCF-style: chr11-102816363-G-A.
Identifiers: ClinVar variation 880460 (VCV000880460.4), dbSNP rs781936267, ClinGen allele CA6251713.

ClinVar aggregate classification (germline): Conflicting classifications of pathogenicity. Review status: criteria provided, conflicting classifications (1 of 4 stars). 2 submissions from 1 submitter: Uncertain significance (1); Likely benign (1). Last evaluated 2018-01-13.

Conditions:
Metaphyseal anadysplasia. Also called: Early-onset regressive form of metaphyseal dysplasia. Identifiers: Orphanet 1040, MedGen C0432226, MONDO:0015177.
Spondyloepimetaphyseal dysplasia, Missouri type. Identifiers: Orphanet 1040, Orphanet 93356, MedGen C1865832, MONDO:0011198, OMIM 602111.

Allele frequency attached by ClinVar (database versions not stated): gnomAD exomes below 0.00001 and 0.00001; ExAC 0.00002; gnomAD 0.00001; TOPMed below 0.00001.
gnomAD v4.1: 6 of 1,495,130 alleles (0.0004%); highest among the groups gnomAD compares: Non-Finnish European, 0.00056%; no homozygotes.

Submissions (2):

Illumina Laboratory Services, Illumina
Classification: Likely benign for Metaphyseal anadysplasia. Last evaluated: 2018-01-13. Review status: criteria provided, single submitter. Criteria: ICSL Variant Classification Criteria 13 December 2019. Collection method: clinical testing. Allele origin: germline.
Comment: This variant was observed in the ICSL laboratory as part of a predisposition screen in an ostensibly healthy population. It had not been previously curated by ICSL or reported in the Human Gene Mutation Database (HGMD: prior to June 1st, 2018), and was therefore a candidate for classification through an automated scoring system. Utilizing variant allele frequency, disease prevalence and penetrance estimates, and inheritance mode, an automated score was calculated to assess if this variant is too frequent to cause the disease. Based on the score and internal cut-off values, a variant classified as likely benign is not then subjected to further curation. The score for this variant resulted in a classification of likely benign for this disease.

Illumina Laboratory Services, Illumina
Classification: Uncertain significance for Spondyloepimetaphyseal dysplasia, Missouri type. Last evaluated: 2018-01-13. Review status: criteria provided, single submitter. Criteria: ICSL Variant Classification Criteria 13 December 2019. Collection method: clinical testing. Allele origin: germline.